The following is an entry in ClinVar:

ClinVar aggregate classification (germline): Uncertain significance. Review status: criteria provided, single submitter (1 of 4 stars). 2 submissions from 2 submitters: Uncertain significance (1). 1 of the submissions does not count toward it. Last evaluated 2024-12-11.

Conditions:
Deafness, X-linked 5 (DFNX5). Also called: AUDITORY NEUROPATHY, X-LINKED, 1, WITH PERIPHERAL SENSORY NEUROPATHY; DEAFNESS, X-LINKED 5, WITH PERIPHERAL NEUROPATHY. Identifiers: Orphanet 139583, MedGen C1845095, OMIM 300614.
Inborn genetic diseases. Identifiers: MedGen C0950123, MeSH D030342.

Allele frequency attached by ClinVar (database versions not stated): gnomAD exomes below 0.00001 and 0.00001; ExAC 0.00001.
gnomAD v4.1: 2 of 1,211,903 alleles (0.00017%); highest among the groups gnomAD compares: Non-Finnish European, 0.00011%; no homozygotes.

Submissions (2):

Ambry Genetics
Classification: Uncertain significance for Inborn genetic diseases. Last evaluated: 2024-12-11. Review status: criteria provided, single submitter. Criteria: Ambry Variant Classification Scheme 2023. Collection method: clinical testing. Allele origin: germline.

Deafness Gene Diagnosis, Xijing Hospital
Classification: Likely pathogenic for Deafness, X-linked 5. Review status: no assertion criteria provided. Collection method: clinical testing. Allele origin: unknown. Inheritance: Sporadic. Affected: yes. Observed: 1 variant allele, 1 homozygote. Not counted in ClinVar's aggregate classification.
Comment: missense mutation in conserved position, not detected in normal control (118 people), and Mutationtaster predicted as Disease Causing

Literature cited by the submitters: PubMed 25986071 (cited by Ambry Genetics); PubMed 32684920 (cited by Ambry Genetics).

NM_004208.4(AIFM1):c.1492G>A (p.Val498Met)

Genes: AIFM1 (apoptosis inducing factor mitochondria associated 1; minus strand), RAB33A (RAB33A, member RAS oncogene family; plus strand). Cytogenetic location: Xq26.1.
Variant type: single nucleotide variant.
Coding change: c.1492G>A on transcript NM_004208.4 (MANE Select); coding-DNA position 1492, G replaced by A.
Protein change: p.Val498Met; replaces valine 498 with methionine.
Molecular consequence: missense variant. On other transcripts: 3 prime UTR variant (1), non-coding transcript variant (1).
Genome position (GRCh38, 1-based): chrX:130,131,756, C>T on the plus strand (G>A on the coding strand, the complement: AIFM1 is on the minus strand). VCF-style: chrX-130131756-C-T. GRCh37 (hg19) VCF-style: chrX-129265731-C-T.
Other names: c.475G>A, p.Val159Met (NM_001130846.4); c.*720G>A (NM_001130847.4); c.1480G>A, p.Val494Met (NM_145812.3); short protein forms V498M, V159M, V494M.
Identifiers: ClinVar variation 162482 (VCV000162482.3), dbSNP rs724160023, ClinGen allele CA175072.